The following is an entry in ClinVar:

ClinVar aggregate classification (germline): Benign. Review status: criteria provided, multiple submitters, no conflicts (2 of 4 stars). 2 submissions from 2 submitters: Benign (2). Last evaluated 2018-01-13.

Conditions:
Osteopetrosis. Identifiers: Orphanet 2781, MedGen C0029454, MONDO:0017198, HP:0011002.

Allele frequency attached by ClinVar (database versions not stated): TOPMed 0.85684; gnomAD 0.85737 and 0.86159; 1000 Genomes Project 30x 0.90303; gnomAD exomes 0.83721; 1000 Genomes Project 0.90655.
gnomAD v4.1: 132,292 of 153,568 alleles (86%); highest among the groups gnomAD compares: East Asian, 100%; 57,083 homozygotes.

Submissions (2):

Illumina Laboratory Services, Illumina
Classification: Benign for Osteopetrosis. Last evaluated: 2018-01-13. Review status: criteria provided, single submitter. Criteria: ICSL Variant Classification Criteria 13 December 2019. Collection method: clinical testing. Allele origin: germline.
Comment: This variant was observed in the ICSL laboratory as part of a predisposition screen in an ostensibly healthy population. It had not been previously curated by ICSL or reported in the Human Gene Mutation Database (HGMD: prior to June 1st, 2018), and was therefore a candidate for classification through an automated scoring system. Utilizing variant allele frequency, disease prevalence and penetrance estimates, and inheritance mode, an automated score was calculated to assess if this variant is too frequent to cause the disease. Based on the score and internal cut-off values, a variant classified as benign is not then subjected to further curation. The score for this variant resulted in a classification of benign for this disease.

Breakthrough Genomics
Classification: Benign. Review status: criteria provided, single submitter. Criteria: ACMG Guidelines, 2015. Collection method: not provided. Allele origin: germline. Inheritance: Autosomal recessive inheritance. Affected: yes.

NM_001287.6(CLCN7):c.*887C>T

Gene: CLCN7 (chloride voltage-gated channel 7; minus strand). Cytogenetic location: 16p13.3.
Variant type: single nucleotide variant.
Coding change: c.*887C>T on transcript NM_001287.6 (MANE Select); 887 bases downstream of the stop codon, C replaced by T.
Molecular consequence: 3 prime UTR variant.
Genome position (GRCh38, 1-based): chr16:1,445,744, G>A on the plus strand (C>T on the coding strand, the complement: CLCN7 is on the minus strand). VCF-style: chr16-1445744-G-A. GRCh37 (hg19) VCF-style: chr16-1495745-G-A.
Other names: c.*887C>T (NM_001114331.3).
Identifiers: ClinVar variation 317923 (VCV000317923.6), dbSNP rs6600146, ClinGen allele CA10647014.